The following is an entry in ClinVar:

ClinVar aggregate classification (germline): Uncertain significance (1 of 4 stars; one submission).

Conditions:
Menkes kinky-hair syndrome (MNK). Also called: Copper transport disease; Menkes Disease; Classic Menkes Disease. Identifiers: Orphanet 565, MedGen C0022716, MONDO:0010651, OMIM 309400.
X-linked distal spinal muscular atrophy type 3. Also called: ATP7A-Related Distal Motor Neuropathy; SPINAL MUSCULAR ATROPHY, DISTAL, X-LINKED RECESSIVE; NEURONOPATHY, DISTAL HEREDITARY MOTOR, X-LINKED; NEUROPATHY, DISTAL HEREDITARY MOTOR, X-LINKED. Identifiers: Orphanet 139557, MedGen C1845359, MONDO:0010338, OMIM 300489.
Cutis laxa, X-linked (OHS). Also called: EDS IX; Occipital horn syndrome. Identifiers: Orphanet 198, MedGen C0268353, MONDO:0010572, OMIM 304150.

Submission:

Labcorp Genetics (formerly Invitae), Labcorp
Classification: Uncertain significance for X-linked distal spinal muscular atrophy type 3; Cutis laxa, X-linked; Menkes kinky-hair syndrome. Last evaluated: 2022-07-12. Review status: criteria provided, single submitter. Criteria: Invitae Variant Classification Sherloc (09022015). Collection method: clinical testing. Allele origin: germline.
Comment: In summary, the available evidence is currently insufficient to determine the role of this variant in disease. Therefore, it has been classified as a Variant of Uncertain Significance. Algorithms developed to predict the effect of missense changes on protein structure and function are either unavailable or do not agree on the potential impact of this missense change (SIFT: "Deleterious"; PolyPhen-2: "Probably Damaging"; Align-GVGD: "Class C0"). This variant has not been reported in the literature in individuals affected with ATP7A-related conditions. This variant is not present in population databases (gnomAD no frequency). This sequence change replaces threonine, which is neutral and polar, with arginine, which is basic and polar, at codon 875 of the ATP7A protein (p.Thr875Arg).

NM_000052.7(ATP7A):c.2624C>G (p.Thr875Arg)

Gene: ATP7A (ATPase copper transporting alpha; plus strand). Cytogenetic location: Xq21.1.
Variant type: single nucleotide variant.
Coding change: c.2624C>G on transcript NM_000052.7 (MANE Select); coding-DNA position 2624, C replaced by G.
Protein change: p.Thr875Arg; replaces threonine 875 with arginine.
Molecular consequence: missense variant.
Genome position (GRCh38, 1-based): chrX:78,015,879, C>G. VCF-style: chrX-78015879-C-G. GRCh37 (hg19) VCF-style: chrX-77271376-C-G.
Other names: c.2390C>G, p.Thr797Arg (NM_001282224.2); short protein forms T875R, T797R.
Identifiers: ClinVar variation 2074464 (VCV002074464.4), dbSNP rs2522362314, ClinGen allele CA413601307.